The following is an entry in ClinVar:

ClinVar aggregate classification (germline): Uncertain significance (1 of 4 stars; one submission).

Conditions:
Chédiak-Higashi syndrome (CHS). Also called: Chediak-Higashi Syndrome. Identifiers: Orphanet 167, MedGen C0007965, MONDO:0008963, OMIM 214500.

Submission:

Labcorp Genetics (formerly Invitae), Labcorp
Classification: Uncertain significance for Chédiak-Higashi syndrome. Last evaluated: 2020-09-25. Review status: criteria provided, single submitter. Criteria: Invitae Variant Classification Sherloc (09022015). Collection method: clinical testing. Allele origin: germline.
Comment: This variant has not been reported in the literature in individuals with LYST-related conditions. This variant is not present in population databases (ExAC no frequency). This sequence change replaces serine with threonine at codon 3550 of the LYST protein (p.Ser3550Thr). The serine residue is moderately conserved and there is a small physicochemical difference between serine and threonine. Algorithms developed to predict the effect of missense changes on protein structure and function (SIFT, PolyPhen-2, Align-GVGD) all suggest that this variant is likely to be tolerated, but these predictions have not been confirmed by published functional studies and their clinical significance is uncertain. In summary, the available evidence is currently insufficient to determine the role of this variant in disease. Therefore, it has been classified as a Variant of Uncertain Significance.

NM_000081.4(LYST):c.10649G>C (p.Ser3550Thr)

Gene: LYST (lysosomal trafficking regulator; minus strand). Cytogenetic location: 1q42.3.
Variant type: single nucleotide variant.
Coding change: c.10649G>C on transcript NM_000081.4 (MANE Select); coding-DNA position 10649, G replaced by C.
Protein change: p.Ser3550Thr; replaces serine 3550 with threonine.
Molecular consequence: missense variant.
Genome position (GRCh38, 1-based): chr1:235,693,402, C>G on the plus strand (G>C on the coding strand, the complement: LYST is on the minus strand). VCF-style: chr1-235693402-C-G. GRCh37 (hg19) VCF-style: chr1-235856702-C-G.
Other names: c.10649G>C, p.Ser3550Thr (NM_001301365.1); short protein forms S3550T.
Identifiers: ClinVar variation 1061510 (VCV001061510.5), dbSNP rs2527258052, ClinGen allele CA344926309.